The following is an entry in ClinVar:

NM_005045.4(RELN):c.6647G>A (p.Arg2216Gln)

Gene: RELN (reelin; minus strand). Cytogenetic location: 7q22.1.
Variant type: single nucleotide variant.
Coding change: c.6647G>A on transcript NM_005045.4 (MANE Select); coding-DNA position 6647, G replaced by A.
Protein change: p.Arg2216Gln; replaces arginine 2216 with glutamine.
Molecular consequence: missense variant.
Genome position (GRCh38, 1-based): chr7:103,542,755, C>T on the plus strand (G>A on the coding strand, the complement: RELN is on the minus strand). VCF-style: chr7-103542755-C-T. GRCh37 (hg19) VCF-style: chr7-103183202-C-T.
Other names: c.6647G>A, p.Arg2216Gln (NM_173054.3); short protein forms R2216Q.
Identifiers: ClinVar variation 95226 (VCV000095226.30), dbSNP rs200010849, ClinGen allele CA222824.

ClinVar aggregate classification (germline): Conflicting classifications of pathogenicity. Review status: criteria provided, conflicting classifications (1 of 4 stars). 9 submissions from 9 submitters: Uncertain significance (7); Benign (1). 1 of the submissions does not count toward it. Last evaluated 2025-11-09.

Conditions:
RELN-related disorder. Also called: RELN-related condition.
Norman-Roberts syndrome (LIS2). Also called: Lissencephaly 2 (Norman-Roberts type). Identifiers: Orphanet 89844, MedGen C0796089, MONDO:0009760, OMIM 257320.
Familial temporal lobe epilepsy 7. Identifiers: Orphanet 101046, MedGen C4225327, MONDO:0014639, OMIM 616436.
Epilepsy, familial temporal lobe, 1. Identifiers: Orphanet 101046, MedGen CN030884, MONDO:0700090, OMIM 600512.

Allele frequency attached by ClinVar (database versions not stated): gnomAD 0.00016 and 0.00017; ExAC 0.00012; TOPMed 0.00021.
gnomAD v4.1: 153 of 1,613,828 alleles (0.0095%); highest among the groups gnomAD compares: Admixed American, 0.033%; no homozygotes.

Submissions (9):

Labcorp Genetics (formerly Invitae), Labcorp
Classification: Benign for Familial temporal lobe epilepsy 7; Norman-Roberts syndrome. Last evaluated: 2025-11-09. Review status: criteria provided, single submitter. Criteria: Invitae Variant Classification Sherloc (09022015). Collection method: clinical testing. Allele origin: germline.

CeGaT Center for Human Genetics Tuebingen
Classification: Uncertain significance. Last evaluated: 2025-10-01. Review status: criteria provided, single submitter. Criteria: CeGaT Center For Human Genetics Tuebingen Variant Classification Criteria Version 2. Collection method: clinical testing. Allele origin: germline. Affected: yes. Observed: 1 variant allele.
Comment: RELN: PM2:Supporting, BP4

Women's Health and Genetics/Laboratory Corporation of America, LabCorp
Classification: Uncertain significance. Last evaluated: 2025-03-17. Review status: criteria provided, single submitter. Criteria: LabCorp Variant Classification Summary - May 2015. Collection method: clinical testing. Allele origin: germline.
Comment: Variant summary: RELN c.6647G>A (p.Arg2216Gln) results in a conservative amino acid change in the encoded protein sequence. Three of five in-silico tools predict a damaging effect of the variant on protein function. The variant allele was found at a frequency of 0.00016 in 251314 control chromosomes. This frequency is not significantly higher than estimated for a pathogenic variant in RELN causing Epilepsy Familial Temporal Lobe 7, allowing no conclusion about variant significance. To our knowledge, no occurrence of c.6647G>A in individuals affected with Epilepsy Familial Temporal Lobe 7 and no experimental evidence demonstrating its impact on protein function have been reported. ClinVar contains an entry for this variant (Variation ID: 95226). Based on the evidence outlined above, the variant was classified as uncertain significance.

Mayo Clinic Laboratories, Mayo Clinic
Classification: Uncertain significance. Last evaluated: 2022-01-12. Review status: criteria provided, single submitter. Criteria: ACMG Guidelines, 2015. Collection method: clinical testing. Allele origin: germline.

GeneDx
Classification: Uncertain significance. Last evaluated: 2020-01-30. Review status: criteria provided, single submitter. Criteria: GeneDx Variant Classification Process June 2021. Collection method: clinical testing. Allele origin: germline. Affected: yes.
Comment: In silico analysis supports that this missense variant does not alter protein structure/function; Has not been previously published as pathogenic or benign to our knowledge

Fulgent Genetics
Classification: Uncertain significance for Norman-Roberts syndrome; Epilepsy, familial temporal lobe, 1; Familial temporal lobe epilepsy 7. Last evaluated: 2018-10-31. Review status: criteria provided, single submitter. Criteria: ACMG Guidelines, 2015. Collection method: clinical testing. Allele origin: unknown.

Illumina Laboratory Services, Illumina
Classification: Uncertain significance for Norman-Roberts syndrome. Last evaluated: 2018-01-13. Review status: criteria provided, single submitter. Criteria: ICSL Variant Classification Criteria 13 December 2019. Collection method: clinical testing. Allele origin: germline.

Eurofins Ntd Llc (ga)
Classification: Uncertain significance. Last evaluated: 2013-08-28. Review status: criteria provided, single submitter. Criteria: EGL Classification Definitions 2015. Collection method: clinical testing. Allele origin: germline. Observed: 1 variant allele, 1 heterozygote.

PreventionGenetics, part of Exact Sciences
Classification: Likely benign for RELN-related condition. Last evaluated: 2022-09-28. Review status: no assertion criteria provided. Collection method: clinical testing. Allele origin: germline. Not counted in ClinVar's aggregate classification.
Comment: This variant is classified as likely benign based on ACMG/AMP sequence variant interpretation guidelines (Richards et al. 2015 PMID: 25741868, with internal and published modifications).